The following is an entry in ClinVar:

NM_001844.5(COL2A1):c.3527G>T (p.Gly1176Val)

Gene: COL2A1 (collagen type II alpha 1 chain; minus strand). Cytogenetic location: 12q13.11.
Variant type: single nucleotide variant.
Coding change: c.3527G>T on transcript NM_001844.5 (MANE Select); coding-DNA position 3527, G replaced by T.
Protein change: p.Gly1176Val; replaces glycine 1176 with valine.
Molecular consequence: missense variant.
Genome position (GRCh38, 1-based): chr12:47,976,033, C>A on the plus strand (G>T on the coding strand, the complement: COL2A1 is on the minus strand). VCF-style: chr12-47976033-C-A. GRCh37 (hg19) VCF-style: chr12-48369816-C-A.
Other names: c.3320G>T, p.Gly1107Val (NM_033150.3); short protein forms G1107V, G1176V.
Identifiers: ClinVar variation 4850916 (VCV004850916.1).

ClinVar aggregate classification (germline): Pathogenic (1 of 4 stars; one submission).

Conditions:
Spondyloepiphyseal dysplasia, Stanescu type. Also called: SED, STANESCU TYPE; SPONDYLOEPIMETAPHYSEAL DYSPLASIA, STANESCU TYPE. Identifiers: Orphanet 459051, MedGen C4225273, MONDO:0014701, OMIM 616583.

Submission:

Clinical Genetics and Genomics, Karolinska University Hospital
Classification: Pathogenic for Spondyloepiphyseal dysplasia, Stanescu type. Last evaluated: 2026-04-07. Review status: criteria provided, single submitter. Criteria: ACMG Guidelines, 2015. Collection method: clinical testing. Allele origin: de novo. Affected: yes.
Comment: This variant disrupts the triple helix domain of COL2A1. Glycine residues within the Gly-Xaa-Yaa repeats of the triple helix domain are required for the structure and stability of fibrillar collagens (PMID: 7695699, 8218237, 19344236).